The following is an entry in ClinVar:

NM_024334.3(TMEM43):c.213G>A (p.Val71=)

Gene: TMEM43 (transmembrane protein 43; plus strand). Cytogenetic location: 3p25.1.
Variant type: single nucleotide variant.
Coding change: c.213G>A on transcript NM_024334.3 (MANE Select); coding-DNA position 213, G replaced by A.
Protein change: p.Val71=; no amino-acid change (valine 71 retained).
Molecular consequence: synonymous variant.
Genome position (GRCh38, 1-based): chr3:14,130,872, G>A. VCF-style: chr3-14130872-G-A. GRCh37 (hg19) VCF-style: chr3-14172372-G-A.
Identifiers: ClinVar variation 845706 (VCV000845706.15), dbSNP rs756764750, ClinGen allele CA052223.
Genomic context (GRCh38, chr3:14,130,872, plus strand): 5'-TTGCTCCCAGGGCCGCGCATTGAAGACGGCAACCTCATTGGCTGAGGGGCTCTCGCTTGT[G>A]GTGTCTCCCGACAGCATCCACAGTGTGGCTCCGGAGAATGAAGGAAGGCTGGTGCACATC-3'
Protein context (NP_077310.1, residues 61-81): ATSLAEGLSL[Val71=]VSPDSIHSVA

ClinVar aggregate classification (germline): Likely benign. Review status: criteria provided, multiple submitters, no conflicts (2 of 4 stars). 5 submissions from 5 submitters: Likely benign (5). Last evaluated 2025-12-02.

Conditions:
Arrhythmogenic right ventricular dysplasia 5. Also called: Arrhythmogenic Right Ventricular Dysplasia/Cardiomyopathy 5; ARRHYTHMOGENIC RIGHT VENTRICULAR DYSPLASIA, FAMILIAL, 5. Identifiers: MedGen C1858379, MONDO:0011459, OMIM 604400.
Cardiovascular phenotype. Identifiers: MedGen CN230736.
Cardiomyopathy (CMYO). Also called: Cardiomyopathies. Identifiers: Orphanet 167848, MedGen C0878544, MONDO:0004994, HP:0001638. Inheritance: Various modes of inheritance.

Allele frequency attached by ClinVar (database versions not stated): gnomAD 0.00001; ExAC 0.00002; gnomAD exomes 0.00002; TOPMed 0.00002.
gnomAD v4.1: 43 of 1,613,660 alleles (0.0027%); highest among the groups gnomAD compares: Non-Finnish European, 0.0034%; no homozygotes.

Submissions (5):

Labcorp Genetics (formerly Invitae), Labcorp
Classification: Likely benign for Arrhythmogenic right ventricular dysplasia 5. Last evaluated: 2025-12-02. Review status: criteria provided, single submitter. Criteria: Invitae Variant Classification Sherloc (09022015). Collection method: clinical testing. Allele origin: germline.

All of Us Research Program, National Institutes of Health
Classification: Likely benign for Arrhythmogenic right ventricular dysplasia 5. Last evaluated: 2023-08-15. Review status: criteria provided, single submitter. Criteria: ACMG Guidelines, 2015. Collection method: clinical testing. Allele origin: germline. Inheritance: Autosomal dominant inheritance. Observed: 9 variant alleles, 9 heterozygotes.
Comment: This study involves interpretation of variants in research participants for the purpose of population health screening. Participant phenotype was not available at the time of variant classification. Additional details can be found in publication PMID: 35346344, PMCID: PMC8962531

Blueprint Genetics
Classification: Likely benign. Last evaluated: 2022-08-26. Review status: criteria provided, single submitter. Criteria: ACMG Guidelines, 2015. Collection method: clinical testing. Allele origin: germline.

Ambry Genetics
Classification: Likely benign for Cardiovascular phenotype. Last evaluated: 2022-08-10. Review status: criteria provided, single submitter. Criteria: Ambry Variant Classification Scheme 2023. Collection method: clinical testing. Allele origin: germline.

Color Diagnostics, LLC DBA Color Health
Classification: Likely benign for Cardiomyopathy. Last evaluated: 2018-11-25. Review status: criteria provided, single submitter. Criteria: ACMG Guidelines, 2015. Collection method: clinical testing. Allele origin: germline.